The following is an entry in ClinVar:

NM_001101.5(ACTB):c.597C>G (p.Ser199Arg)

Gene: ACTB (actin beta; minus strand). Cytogenetic location: 7p22.1.
Variant type: single nucleotide variant.
Coding change: c.597C>G on transcript NM_001101.5 (MANE Select); coding-DNA position 597, C replaced by G.
Protein change: p.Ser199Arg; replaces serine 199 with arginine.
Molecular consequence: missense variant.
Genome position (GRCh38, 1-based): chr7:5,528,486, G>C on the plus strand (C>G on the coding strand, the complement: ACTB is on the minus strand). VCF-style: chr7-5528486-G-C. GRCh37 (hg19) VCF-style: chr7-5568117-G-C.
Other names: c.597C>G (LRG_132t1); short protein forms S199R.
Identifiers: ClinVar variation 279938 (VCV000279938.2), dbSNP rs886041266, ClinGen allele CA10603041.
Genomic context (GRCh38, chr7:5,528,486, plus strand): 5'-GACGTAGCACAGCTTCTCCTTAATGTCACGCACGATTTCCCGCTCGGCCGTGGTGGTGAA[G>C]CTGTAGCCGCGCTCGGTGAGGATCTTCATGAGGTAGTCAGTCAGGTCCCGGCCAGCCAGG-3'
Protein context (NP_001092.1, residues 189-209): LMKILTERGY[Ser199Arg]FTTTAEREIV

ClinVar aggregate classification (germline): Likely pathogenic (1 of 4 stars; one submission).

Submission:

GeneDx
Classification: Likely pathogenic. Last evaluated: 2016-10-17. Review status: criteria provided, single submitter. Criteria: GeneDx Variant Classification (06012015). Collection method: clinical testing. Allele origin: germline. Affected: yes.
Comment: The S199R variant has not been published as a pathogenic variant, nor has it been reported as a benign variant to our knowledge. The S199R variant was not observed in approximately 6,500 individuals of European and African American ancestry in the NHLBI Exome Sequencing Project, indicating it is not a common benign variant in these populations. The S199R variant is a semi-conservative amino acid substitution, which may impact secondary protein structure as these residues differ in some properties. This substitution occurs at a position that is conserved. In silico analysis predicts this variant is probably damaging to the protein structure/function. Therefore, based on the currently available information, it is unclear whether this variant is a pathogenic variant or a rare benign variant